The following is an entry in ClinVar:

ClinVar aggregate classification (germline): Conflicting classifications of pathogenicity. Review status: criteria provided, conflicting classifications (1 of 4 stars). 2 submissions from 2 submitters: Uncertain significance (1); Benign (1). Last evaluated 2025-02-20.

Conditions:
Polycystic kidney disease 3 with or without polycystic liver disease. Also called: Polycystic kidney disease 3; POLYCYSTIC KIDNEY DISEASE, ADULT, TYPE III; Polycystic Kidney and/or Polycystic Liver Disease 3. Identifiers: MedGen C3887964, MONDO:0010916, OMIM 600666.

gnomAD v4.1: 23 of 1,613,452 alleles (0.0014%); highest among the groups gnomAD compares: East Asian, 0.049%; no homozygotes.

Submissions (2):

Labcorp Genetics (formerly Invitae), Labcorp
Classification: Benign. Last evaluated: 2025-02-20. Review status: criteria provided, single submitter. Criteria: Invitae Variant Classification Sherloc (09022015). Collection method: clinical testing. Allele origin: germline.

Juno Genomics, Hangzhou Juno Genomics, Inc
Classification: Uncertain significance for Polycystic kidney disease 3 with or without polycystic liver disease. Review status: criteria provided, single submitter. Criteria: ACMG Guidelines, 2015. Collection method: clinical testing. Allele origin: germline.
Comment: Absent from controls (or at extremely low frequency if recessive) in Genome Aggregation Database.

NM_198334.3(GANAB):c.554G>C (p.Arg185Thr)

Gene: GANAB (glucosidase II alpha subunit; minus strand). Cytogenetic location: 11q12.3.
Variant type: single nucleotide variant.
Coding change: c.554G>C on transcript NM_198334.3 (MANE Select); coding-DNA position 554, G replaced by C.
Protein change: p.Arg185Thr; replaces arginine 185 with threonine.
Molecular consequence: missense variant. On other transcripts: 5 prime UTR variant (2).
Genome position (GRCh38, 1-based): chr11:62,634,827, C>G on the plus strand (G>C on the coding strand, the complement: GANAB is on the minus strand). VCF-style: chr11-62634827-C-G. GRCh37 (hg19) VCF-style: chr11-62402299-C-G.
Other names: c.212G>C, p.Arg71Thr (NM_001278192.2, NM_001278193.2); c.263G>C, p.Arg88Thr (NM_001278194.2, NM_001329222.2, NM_001329223.2); c.-223G>C (NM_001329224.2, NM_001329225.2); c.554G>C, p.Arg185Thr (NM_198335.4); short protein forms R185T, R71T, R88T.
Identifiers: ClinVar variation 4805490 (VCV004805490.3).